The following is an entry in ClinVar:

ClinVar aggregate classification (germline): Uncertain significance (1 of 4 stars; one submission).

Submission:

Labcorp Genetics (formerly Invitae), Labcorp
Classification: Uncertain significance. Last evaluated: 2024-09-27. Review status: criteria provided, single submitter. Criteria: Invitae Variant Classification Sherloc (09022015). Collection method: clinical testing. Allele origin: germline.
Comment: This variant, c.958_978dup, results in the insertion of 7 amino acid(s) of the TNK2 protein (p.Asn320_Arg326dup), but otherwise preserves the integrity of the reading frame. This variant is present in population databases (rs748355484, gnomAD 0.002%). This variant has not been reported in the literature in individuals affected with TNK2-related conditions. In summary, the available evidence is currently insufficient to determine the role of this variant in disease. Therefore, it has been classified as a Variant of Uncertain Significance.

NM_001382273.1(TNK2):c.769_789dup (p.Arg263_Asp264insAsnLeuLeuLeuAlaThrArg)

Gene: TNK2 (tyrosine kinase non receptor 2; minus strand). Cytogenetic location: 3q29.
Variant type: Duplication.
Coding change: c.769_789dup on transcript NM_001382273.1 (MANE Select); coding-DNA positions 769 to 789, 21 bases duplicated (AATCTGCTGTTGGCTACCCGC).
Protein change: p.Arg263_Asp264insAsnLeuLeuLeuAlaThrArg.
Molecular consequence: non-coding transcript variant (on NR_170679.1).
Genome position (GRCh38, 1-based): chr3:195,882,149-195,882,169, GCGGGTAGCCAACAGCAGATT duplicated on the plus strand (AATCTGCTGTTGGCTACCCGC on the coding strand, the reverse complement: TNK2 is on the minus strand); duplicating any 21 consecutive bases within chr3:195,882,149-195,882,174 gives the same sequence; the c. name uses the placement nearest the transcript's 3' end. VCF-style (leftmost placement, unchanged base first): chr3-195882148-C-CGCGGGTAGCCAACAGCAGATT. GRCh37 (hg19) VCF-style: chr3-195609019-C-CGCGGGTAGCCAACAGCAGATT.
Other names: c.769_789dup, p.Arg263_Asp264insAsnLeuLeuLeuAlaThrArg (NM_001382274.1, NM_001386164.1, NM_001387709.1 and 12 more transcripts); c.865_885dup, p.Arg295_Asp296insAsnLeuLeuLeuAlaThrArg (NM_001382275.1, NM_001387707.1, NM_001308046.2 and 1 more transcripts); c.841_861dup, p.Arg287_Asp288insAsnLeuLeuLeuAlaThrArg (NM_001387708.1, NM_001387715.1, NM_001010938.2 and 1 more transcripts).
Identifiers: ClinVar variation 3672781 (VCV003672781.2).